The following is an entry in ClinVar:

NM_000465.4(BARD1):c.965G>C (p.Arg322Pro)

Gene: BARD1 (BRCA1 associated RING domain 1; minus strand). Cytogenetic location: 2q35.
Variant type: single nucleotide variant.
Coding change: c.965G>C on transcript NM_000465.4 (MANE Select); coding-DNA position 965, G replaced by C.
Protein change: p.Arg322Pro; replaces arginine 322 with proline.
Molecular consequence: missense variant. On other transcripts: non-coding transcript variant (2), intron variant (3).
Genome position (GRCh38, 1-based): chr2:214,780,909, C>G on the plus strand (G>C on the coding strand, the complement: BARD1 is on the minus strand). VCF-style: chr2-214780909-C-G. GRCh37 (hg19) VCF-style: chr2-215645633-C-G.
Other names: c.908G>C, p.Arg303Pro (NM_001282543.2); c.159-28354G>C (NM_001282548.2); c.215+16152G>C (NM_001282545.2); c.364+11388G>C (NM_001282549.2); short protein forms R303P, R322P.
Identifiers: ClinVar variation 4532954 (VCV004532954.1).

ClinVar aggregate classification (germline): Uncertain significance (1 of 4 stars; one submission).

Submission:

Quest Diagnostics Nichols Institute San Juan Capistrano
Classification: Uncertain significance. Last evaluated: 2025-02-05. Review status: criteria provided, single submitter. Criteria: Quest Diagnostics criteria. Collection method: clinical testing. Allele origin: unknown.
Comment: The BARD1 c.965G>C (p.Arg322Pro) variant has not been reported in individuals with BARD1-related conditions in the published literature. It also has not been reported in large, multi-ethnic general populations (Genome Aggregation Database). Analysis of this variant using bioinformatics tools for the prediction of the effect of amino acid changes on protein structure and function yielded predictions that this variant is benign. Based on the available information, we are unable to determine the clinical significance of this variant.